The following is an entry in ClinVar:

ClinVar aggregate classification (germline): Uncertain significance (1 of 4 stars; one submission).

Conditions:
Pulmonary arterial hypertension. Identifiers: Orphanet 182090, MedGen C2973725, MeSH D000081029, MONDO:0015924, HP:0002092.

gnomAD v4.1: 9 of 1,612,004 alleles (0.00056%); highest among the groups gnomAD compares: Non-Finnish European, 0.00068%; no homozygotes.

Submission:

Johns Hopkins Genomics, Johns Hopkins University
Classification: Uncertain significance for Pulmonary arterial hypertension. Last evaluated: 2024-05-10. Review status: criteria provided, single submitter. Criteria: ACMG Guidelines, 2015. Collection method: clinical testing. Allele origin: germline.
Comment: We consider the clinical significance of this FBLN2 variant to be uncertain at this time, due to the unconfirmed relationship between FBLN2 variants and pulmonary arterial hypertension.

NM_001004019.2(FBLN2):c.2818G>A (p.Asp940Asn)

Gene: FBLN2 (fibulin 2; plus strand). Cytogenetic location: 3p25.1.
Variant type: single nucleotide variant.
Coding change: c.2818G>A on transcript NM_001004019.2 (MANE Select); coding-DNA position 2818, G replaced by A.
Protein change: p.Asp940Asn; replaces aspartic acid 940 with asparagine.
Molecular consequence: missense variant.
Genome position (GRCh38, 1-based): chr3:13,629,268, G>A. VCF-style: chr3-13629268-G-A. GRCh37 (hg19) VCF-style: chr3-13670768-G-A.
Other names: c.2818G>A, p.Asp940Asn (NM_001165035.2); c.2677G>A, p.Asp893Asn (NM_001998.3); short protein forms D893N, D940N.
Identifiers: ClinVar variation 4280056 (VCV004280056.1).